The following is an entry in ClinVar:

ClinVar aggregate classification (germline): Uncertain significance (1 of 4 stars; one submission).

Allele frequency attached by ClinVar (database versions not stated): gnomAD 0.00001; ExAC 0.00002; gnomAD exomes 0.00002 and 0.00003; TOPMed 0.00002.
gnomAD v4.1: 48 of 1,612,606 alleles (0.003%); highest among the groups gnomAD compares: Non-Finnish European, 0.0036%; no homozygotes.

Submission:

Labcorp Genetics (formerly Invitae), Labcorp
Classification: Uncertain significance. Last evaluated: 2023-08-10. Review status: criteria provided, single submitter. Criteria: Invitae Variant Classification Sherloc (09022015). Collection method: clinical testing. Allele origin: germline.
Comment: In summary, the available evidence is currently insufficient to determine the role of this variant in disease. Therefore, it has been classified as a Variant of Uncertain Significance. Experimental studies and prediction algorithms are not available or were not evaluated, and the functional significance of this variant is currently unknown. ClinVar contains an entry for this variant (Variation ID: 1523682). This variant has not been reported in the literature in individuals affected with HTT-related conditions. This variant is present in population databases (rs752705093, gnomAD 0.007%). This sequence change replaces arginine, which is basic and polar, with tryptophan, which is neutral and slightly polar, at codon 2017 of the HTT protein (p.Arg2017Trp).

NM_001388492.1(HTT):c.6043C>T (p.Arg2015Trp)

Gene: HTT (huntingtin; plus strand). Cytogenetic location: 4p16.3.
Variant type: single nucleotide variant.
Coding change: c.6043C>T on transcript NM_001388492.1 (MANE Select); coding-DNA position 6043, C replaced by T.
Protein change: p.Arg2015Trp; replaces arginine 2015 with tryptophan.
Molecular consequence: missense variant.
Genome position (GRCh38, 1-based): chr4:3,206,951, C>T. VCF-style: chr4-3206951-C-T. GRCh37 (hg19) VCF-style: chr4-3208678-C-T.
Other names: c.6049C>T, p.Arg2017Trp (NM_002111.8); short protein forms R2017W, R2015W.
Identifiers: ClinVar variation 1523682 (VCV001523682.6), dbSNP rs752705093, ClinGen allele CA2824886.